The following is an entry in ClinVar:

ClinVar aggregate classification (germline): Uncertain significance (1 of 4 stars; one submission).

Conditions:
Hajdu-Cheney syndrome (HJCYS). Also called: ACROOSTEOLYSIS WITH OSTEOPOROSIS AND CHANGES IN SKULL AND MANDIBLE; SERPENTINE FIBULA-POLYCYSTIC KIDNEY SYNDROME; Acroosteolysis dominant type. Identifiers: Orphanet 955, MedGen C0917715, MONDO:0007057, OMIM 102500.

Submission:

Labcorp Genetics (formerly Invitae), Labcorp
Classification: Uncertain significance for Hajdu-Cheney syndrome. Last evaluated: 2024-05-20. Review status: criteria provided, single submitter. Criteria: Invitae Variant Classification Sherloc (09022015). Collection method: clinical testing. Allele origin: germline.
Comment: This sequence change replaces proline, which is neutral and non-polar, with serine, which is neutral and polar, at codon 1591 of the NOTCH2 protein (p.Pro1591Ser). This variant is not present in population databases (gnomAD no frequency). This variant has not been reported in the literature in individuals affected with NOTCH2-related conditions. ClinVar contains an entry for this variant (Variation ID: 2125044). Advanced modeling of protein sequence and biophysical properties (such as structural, functional, and spatial information, amino acid conservation, physicochemical variation, residue mobility, and thermodynamic stability) performed at Invitae indicates that this missense variant is not expected to disrupt NOTCH2 protein function with a negative predictive value of 80%. In summary, the available evidence is currently insufficient to determine the role of this variant in disease. Therefore, it has been classified as a Variant of Uncertain Significance.

NM_024408.4(NOTCH2):c.4771C>T (p.Pro1591Ser)

Gene: NOTCH2 (notch receptor 2; minus strand). Cytogenetic location: 1p12.
Variant type: single nucleotide variant.
Coding change: c.4771C>T on transcript NM_024408.4 (MANE Select); coding-DNA position 4771, C replaced by T.
Protein change: p.Pro1591Ser; replaces proline 1591 with serine.
Molecular consequence: missense variant.
Genome position (GRCh38, 1-based): chr1:119,923,725, G>A on the plus strand (C>T on the coding strand, the complement: NOTCH2 is on the minus strand). VCF-style: chr1-119923725-G-A. GRCh37 (hg19) VCF-style: chr1-120466348-G-A.
Other names: short protein forms P1591S.
Identifiers: ClinVar variation 2125044 (VCV002125044.4), dbSNP rs1649365882, ClinGen allele CA341888677.
Genomic context (GRCh38, chr1:119,923,725, plus strand): 5'-GAAGGGATCTGCGTGTCATCCTCTGTTTCTTCATAGCAGCTGACTTCTCACCATAATAGG[G>A]GTACACCATGAGTTCCCCCTGGGAGTCCCGCTTAATGCGCAGGTTGGTGTGGAGCAGGGT-3'
Protein context (NP_077719.2, residues 1581-1601): RDSQGELMVY[Pro1591Ser]YYGEKSAAMK